The following is an entry in ClinVar:

ClinVar aggregate classification (germline): Benign/Likely benign. Review status: criteria provided, multiple submitters, no conflicts (2 of 4 stars). 3 submissions from 3 submitters: Benign (1); Likely benign (2). Last evaluated 2025-12-03.

Conditions:
Epileptic encephalopathy. Identifiers: MedGen C0543888, HP:0200134.

Allele frequency attached by ClinVar (database versions not stated): gnomAD 0.00043 and 0.00044; TOPMed 0.00043; gnomAD exomes 0.00055; ESP Exome Variant Server 0.00077; ExAC 0.00115.
gnomAD v4.1: 1,147 of 1,596,234 alleles (0.072%); highest among the groups gnomAD compares: Non-Finnish European, 0.092%; 1 homozygote.

Submissions (3):

Labcorp Genetics (formerly Invitae), Labcorp
Classification: Benign for Epileptic encephalopathy. Last evaluated: 2025-12-03. Review status: criteria provided, single submitter. Criteria: Invitae Variant Classification Sherloc (09022015). Collection method: clinical testing. Allele origin: germline.

CeGaT Center for Human Genetics Tuebingen
Classification: Likely benign. Last evaluated: 2025-07-01. Review status: criteria provided, single submitter. Criteria: CeGaT Center For Human Genetics Tuebingen Variant Classification Criteria Version 2. Collection method: clinical testing. Allele origin: germline. Affected: yes. Observed: 4 variant alleles.
Comment: FASN: BP4, BP7

Blueprint Genetics
Classification: Likely benign. Last evaluated: 2024-11-06. Review status: criteria provided, single submitter. Criteria: ACMG Guidelines, 2015. Collection method: clinical testing. Allele origin: germline.

NM_004104.5(FASN):c.591C>T (p.Ser197=)

Gene: FASN (fatty acid synthase; minus strand). Cytogenetic location: 17q25.3.
Variant type: single nucleotide variant.
Coding change: c.591C>T on transcript NM_004104.5 (MANE Select); coding-DNA position 591, C replaced by T.
Protein change: p.Ser197=; no amino-acid change (serine 197 retained).
Molecular consequence: synonymous variant.
Genome position (GRCh38, 1-based): chr17:82,093,283, G>A on the plus strand (C>T on the coding strand, the complement: FASN is on the minus strand). VCF-style: chr17-82093283-G-A. GRCh37 (hg19) VCF-style: chr17-80051159-G-A.
Identifiers: ClinVar variation 462085 (VCV000462085.34), dbSNP rs141843553, ClinGen allele CA8853479.